The following is an entry in ClinVar:

NM_000465.4(BARD1):c.2150T>A (p.Ile717Asn)

Gene: BARD1 (BRCA1 associated RING domain 1; minus strand). Cytogenetic location: 2q35.
Variant type: single nucleotide variant.
Coding change: c.2150T>A on transcript NM_000465.4 (MANE Select); coding-DNA position 2150, T replaced by A.
Protein change: p.Ile717Asn; replaces isoleucine 717 with asparagine.
Molecular consequence: missense variant. On other transcripts: non-coding transcript variant (3).
Genome position (GRCh38, 1-based): chr2:214,728,860, A>T on the plus strand (T>A on the coding strand, the complement: BARD1 is on the minus strand). VCF-style: chr2-214728860-A-T. GRCh37 (hg19) VCF-style: chr2-215593584-A-T.
Other names: c.2093T>A, p.Ile698Asn (NM_001282543.2); c.797T>A, p.Ile266Asn (NM_001282545.2); c.740T>A, p.Ile247Asn (NM_001282548.2); c.611T>A, p.Ile204Asn (NM_001282549.2); short protein forms I717N, I204N, I247N, I266N, I698N.
Identifiers: ClinVar variation 230367 (VCV000230367.18), dbSNP rs876658526, ClinGen allele CA10577766.

ClinVar aggregate classification (germline): Uncertain significance. Review status: criteria provided, multiple submitters, no conflicts (2 of 4 stars). 3 submissions from 3 submitters: Uncertain significance (3). Last evaluated 2023-12-05.

Conditions:
Familial cancer of breast. Also called: BREAST CANCER, FAMILIAL; hereditary breast carcinoma; Hereditary breast cancer. Identifiers: Orphanet 227535, MedGen C0346153, MONDO:0016419, OMIM 114480. Disease mechanism: loss of function.
Hereditary cancer-predisposing syndrome. Also called: Neoplastic Syndromes, Hereditary; Tumor predisposition; Hereditary Cancer Syndrome; Hereditary neoplastic syndrome. Identifiers: Orphanet 140162, MedGen C0027672, MeSH D009386, MONDO:0015356.

gnomAD v4.1: 4 of 1,614,150 alleles (0.00025%); highest among the groups gnomAD compares: Admixed American, 0.0017%; no homozygotes.

Submissions (3):

Ambry Genetics
Classification: Uncertain significance for Hereditary cancer-predisposing syndrome. Last evaluated: 2023-12-05. Review status: criteria provided, single submitter. Criteria: Ambry Variant Classification Scheme 2023. Collection method: clinical testing. Allele origin: germline.
Comment: The p.I717N variant (also known as c.2150T>A), located in coding exon 11 of the BARD1 gene, results from a T to A substitution at nucleotide position 2150. The isoleucine at codon 717 is replaced by asparagine, an amino acid with dissimilar properties. This amino acid position is not well conserved in available vertebrate species. In addition, the in silico prediction for this alteration is inconclusive. Since supporting evidence is limited at this time, the clinical significance of this alteration remains unclear.

Labcorp Genetics (formerly Invitae), Labcorp
Classification: Uncertain significance for Familial cancer of breast. Last evaluated: 2023-11-28. Review status: criteria provided, single submitter. Criteria: Invitae Variant Classification Sherloc (09022015). Collection method: clinical testing. Allele origin: germline.
Comment: This sequence change replaces isoleucine, which is neutral and non-polar, with asparagine, which is neutral and polar, at codon 717 of the BARD1 protein (p.Ile717Asn). This variant is not present in population databases (gnomAD no frequency). This missense change has been observed in individual(s) with breast and/or ovarian cancer (PMID: 30306255). ClinVar contains an entry for this variant (Variation ID: 230367). An algorithm developed to predict the effect of missense changes on protein structure and function (PolyPhen-2) suggests that this variant is likely to be disruptive. In summary, the available evidence is currently insufficient to determine the role of this variant in disease. Therefore, it has been classified as a Variant of Uncertain Significance.

Institute for Clinical Genetics, University Hospital TU Dresden, University Hospital TU Dresden
Classification: Uncertain significance. Last evaluated: 2021-11-03. Review status: criteria provided, single submitter. Criteria: ACMG Guidelines, 2015. Collection method: clinical testing. Allele origin: germline.

Literature cited by the submitters: PubMed 30306255 (cited by Labcorp Genetics (formerly Invitae), Labcorp).